The following is an entry in ClinVar:

ClinVar aggregate classification (germline): Likely benign (1 of 4 stars; one submission).

gnomAD v4.1: 1 of 1,613,918 alleles (0.000062%); highest among the groups gnomAD compares: Admixed American, 0.0017%; no homozygotes.

Submission:

CeGaT Center for Human Genetics Tuebingen
Classification: Likely benign. Last evaluated: 2025-04-01. Review status: criteria provided, single submitter. Criteria: CeGaT Center For Human Genetics Tuebingen Variant Classification Criteria Version 2. Collection method: clinical testing. Allele origin: germline. Affected: yes. Observed: 1 variant allele.
Comment: ABCA9: BP4, BP7

NM_080283.4(ABCA9):c.1365G>A (p.Glu455=)

Gene: ABCA9 (ATP binding cassette subfamily A member 9; minus strand). Cytogenetic location: 17q24.2.
Variant type: single nucleotide variant.
Coding change: c.1365G>A on transcript NM_080283.4 (MANE Select); coding-DNA position 1365, G replaced by A.
Protein change: p.Glu455=; no amino-acid change (glutamic acid 455 retained).
Molecular consequence: synonymous variant.
Genome position (GRCh38, 1-based): chr17:69,032,188, C>T on the plus strand (G>A on the coding strand, the complement: ABCA9 is on the minus strand). VCF-style: chr17-69032188-C-T. GRCh37 (hg19) VCF-style: chr17-67028329-C-T.
Identifiers: ClinVar variation 3898352 (VCV003898352.7).